The following is an entry in ClinVar:

ClinVar aggregate classification (germline): Likely benign. Review status: criteria provided, single submitter (1 of 4 stars). 2 submissions from 2 submitters: Likely benign (1). 1 of the submissions does not count toward it. Last evaluated 2024-10-09.

Conditions:
CACNA1I-related disorder. Also called: CACNA1I-related condition.

Allele frequency attached by ClinVar (database versions not stated): gnomAD exomes 0.00004; ExAC 0.00007; ESP Exome Variant Server 0.00008; TOPMed 0.00010; gnomAD 0.00011.

Submissions (2):

Blueprint Genetics
Classification: Likely benign. Last evaluated: 2024-10-09. Review status: criteria provided, single submitter. Criteria: ACMG Guidelines, 2015. Collection method: clinical testing. Allele origin: germline.

PreventionGenetics, part of Exact Sciences
Classification: Likely benign for CACNA1I-related condition. Last evaluated: 2019-10-28. Review status: no assertion criteria provided. Collection method: clinical testing. Allele origin: germline. Not counted in ClinVar's aggregate classification.
Comment: This variant is classified as likely benign based on ACMG/AMP sequence variant interpretation guidelines (Richards et al. 2015 PMID: 25741868, with internal and published modifications).

NM_021096.4(CACNA1I):c.349-8C>T

Gene: CACNA1I (calcium voltage-gated channel subunit alpha1 I; plus strand). Cytogenetic location: 22q13.1.
Variant type: single nucleotide variant.
Coding change: c.349-8C>T on transcript NM_021096.4 (MANE Select); 8 bases into the intron before coding-DNA position 349, C replaced by T.
Molecular consequence: intron variant.
Genome position (GRCh38, 1-based): chr22:39,600,512, C>T. VCF-style: chr22-39600512-C-T. GRCh37 (hg19) VCF-style: chr22-39996517-C-T.
Other names: c.349-8C>T (NM_001003406.2).
Identifiers: ClinVar variation 3040784 (VCV003040784.3), dbSNP rs375201237, ClinGen allele CA10243594.